The following is an entry in ClinVar:

NM_178335.3(CCDC50):c.655_656dup (p.Asn219fs)

Gene: CCDC50 (coiled-coil domain containing 50; plus strand). Cytogenetic location: 3q28.
Variant type: Duplication.
Coding change: c.655_656dup on transcript NM_178335.3 (MANE Select); coding-DNA positions 655 to 656, 2 bases duplicated (AA; older notation c.655_656dupAA).
Protein change: p.Asn219fs; shifts the reading frame from asparagine 219.
Molecular consequence: frameshift variant. On other transcripts: intron variant (1).
Genome position (GRCh38, 1-based): chr3:191,375,268-191,375,269, AA duplicated. VCF-style (leftmost placement, unchanged base first): chr3-191375267-T-TAA. GRCh37 (hg19) VCF-style: chr3-191093056-T-TAA.
Other names: c.449-4891_449-4890dup (NM_174908.4); short protein forms N219fs.
Identifiers: ClinVar variation 2982588 (VCV002982588.3), dbSNP rs752941910, ClinGen allele CA2755300.
Genomic context (GRCh38, chr3:191,375,267, plus strand): 5'-TTCATCGAAGAGATCCCTGTCATCCTCTAGCTCGGGCAAAGGGAGGGACAATCCCCATAT[T>TAA]AACAATGAGCAGCATGAAAGGAAACGGTCCACTCAGGAGAGGCCTCGGAGACCTCTGCTT-3'

ClinVar aggregate classification (germline): Uncertain significance (1 of 4 stars; one submission).

Allele frequency attached by ClinVar (database versions not stated): ExAC 0.00001; gnomAD 0.00001; gnomAD exomes 0.00001.

Submission:

Labcorp Genetics (formerly Invitae), Labcorp
Classification: Uncertain significance. Last evaluated: 2023-07-27. Review status: criteria provided, single submitter. Criteria: Invitae Variant Classification Sherloc (09022015). Collection method: clinical testing. Allele origin: germline.
Comment: In summary, the available evidence is currently insufficient to determine the role of this variant in disease. Therefore, it has been classified as a Variant of Uncertain Significance. This variant has not been reported in the literature in individuals affected with CCDC50-related conditions. This variant is present in population databases (rs752941910, gnomAD 0.02%). This sequence change creates a premature translational stop signal (p.Asn219Lysfs*30) in the CCDC50 gene. It is expected to result in an absent or disrupted protein product. However, the current clinical and genetic evidence is not sufficient to establish whether loss-of-function variants in CCDC50 cause disease.